The following is an entry in ClinVar:

ClinVar aggregate classification (germline): Uncertain significance (1 of 4 stars; one submission).

Submission:

Labcorp Genetics (formerly Invitae), Labcorp
Classification: Uncertain significance. Last evaluated: 2019-03-22. Review status: criteria provided, single submitter. Criteria: Invitae Variant Classification Sherloc (09022015). Collection method: clinical testing. Allele origin: germline.
Comment: Algorithms developed to predict the effect of missense changes on protein structure and function (SIFT, PolyPhen-2, Align-GVGD) all suggest that this variant is likely to be tolerated, but these predictions have not been confirmed by published functional studies and their clinical significance is uncertain. This variant has not been reported in the literature in individuals with SZT2-related conditions. This variant is not present in population databases (ExAC no frequency). This sequence change replaces glutamine with lysine at codon 2738 of the SZT2 protein (p.Gln2738Lys). The glutamine residue is highly conserved and there is a small physicochemical difference between glutamine and lysine. In summary, the available evidence is currently insufficient to determine the role of this variant in disease. Therefore, it has been classified as a Variant of Uncertain Significance.

NM_001365999.1(SZT2):c.8383C>A (p.Gln2795Lys)

Gene: SZT2 (SZT2 subunit of KICSTOR complex; plus strand). Cytogenetic location: 1p34.2.
Variant type: single nucleotide variant.
Coding change: c.8383C>A on transcript NM_001365999.1 (MANE Select); coding-DNA position 8383, C replaced by A.
Protein change: p.Gln2795Lys; replaces glutamine 2795 with lysine.
Molecular consequence: missense variant.
Genome position (GRCh38, 1-based): chr1:43,443,050, C>A. VCF-style: chr1-43443050-C-A. GRCh37 (hg19) VCF-style: chr1-43908721-C-A.
Other names: c.8212C>A, p.Gln2738Lys (NM_015284.4); short protein forms Q2795K, Q2738K.
Identifiers: ClinVar variation 850127 (VCV000850127.7), dbSNP rs1655247915, ClinGen allele CA340038771.